The following is an entry in ClinVar:

NM_000343.4(SLC5A1):c.1618A>G (p.Thr540Ala)

Gene: SLC5A1 (solute carrier family 5 member 1; plus strand). Cytogenetic location: 22q12.3.
Variant type: single nucleotide variant.
Coding change: c.1618A>G on transcript NM_000343.4 (MANE Select); coding-DNA position 1618, A replaced by G.
Protein change: p.Thr540Ala; replaces threonine 540 with alanine.
Molecular consequence: missense variant.
Genome position (GRCh38, 1-based): chr22:32,102,190, A>G. VCF-style: chr22-32102190-A-G. GRCh37 (hg19) VCF-style: chr22-32498177-A-G.
Other names: c.1237A>G, p.Thr413Ala (NM_001256314.2); short protein forms T540A, T413A.
Identifiers: ClinVar variation 1485802 (VCV001485802.3), dbSNP rs200105476, ClinGen allele CA10198267.

ClinVar aggregate classification (germline): Uncertain significance (1 of 4 stars; one submission).

Conditions:
Congenital glucose-galactose malabsorption (GGM). Also called: MONOSACCHARIDE MALABSORPTION; DIARRHEA 16. Identifiers: Orphanet 35710, MedGen C0268186, MONDO:0011731, OMIM 606824.

Allele frequency attached by ClinVar (database versions not stated): ExAC 0.00003; gnomAD exomes 0.00003 and 0.00004; TOPMed 0.00003; gnomAD 0.00006.
gnomAD v4.1: 73 of 1,613,646 alleles (0.0045%); highest among the groups gnomAD compares: Non-Finnish European, 0.0056%; no homozygotes.

Submission:

Labcorp Genetics (formerly Invitae), Labcorp
Classification: Uncertain significance for Congenital glucose-galactose malabsorption. Last evaluated: 2022-01-28. Review status: criteria provided, single submitter. Criteria: Invitae Variant Classification Sherloc (09022015). Collection method: clinical testing. Allele origin: germline.
Comment: This sequence change replaces threonine, which is neutral and polar, with alanine, which is neutral and non-polar, at codon 540 of the SLC5A1 protein (p.Thr540Ala). This variant is present in population databases (rs200105476, gnomAD 0.006%). This variant has not been reported in the literature in individuals affected with SLC5A1-related conditions. Algorithms developed to predict the effect of missense changes on protein structure and function (SIFT, PolyPhen-2, Align-GVGD) all suggest that this variant is likely to be tolerated. In summary, the available evidence is currently insufficient to determine the role of this variant in disease. Therefore, it has been classified as a Variant of Uncertain Significance.